The following is an entry in ClinVar:

NM_001370259.2(MEN1):c.1252G>T (p.Asp418Tyr)

Gene: MEN1 (menin 1; minus strand). Cytogenetic location: 11q13.1.
Variant type: single nucleotide variant.
Coding change: c.1252G>T on transcript NM_001370259.2 (MANE Select); coding-DNA position 1252, G replaced by T.
Protein change: p.Asp418Tyr; replaces aspartic acid 418 with tyrosine.
Molecular consequence: missense variant.
Genome position (GRCh38, 1-based): chr11:64,805,132, C>A on the plus strand (G>T on the coding strand, the complement: MEN1 is on the minus strand). VCF-style: chr11-64805132-C-A. GRCh37 (hg19) VCF-style: chr11-64572604-C-A.
Other names: c.1267G>T, p.Asp423Tyr (NM_000244.4, NM_130800.3, NM_130801.3 and 3 more transcripts); c.1378G>T, p.Asp460Tyr (NM_001370251.2); c.1252G>T, p.Asp418Tyr (NM_001370260.2, NM_001370261.2, NM_130799.3); c.1147G>T, p.Asp383Tyr (NM_001370262.2, NM_001370263.2); short protein forms D418Y, D423Y, D383Y, D460Y.
Identifiers: ClinVar variation 428083 (VCV000428083.6), dbSNP rs104894264, ClinGen allele CA381180517.

ClinVar aggregate classification (germline): Pathogenic. Review status: criteria provided, multiple submitters, no conflicts (2 of 4 stars). 2 submissions from 2 submitters: Pathogenic (2). Last evaluated 2025-11-20.

Conditions:
Hereditary cancer-predisposing syndrome. Also called: Hereditary neoplastic syndrome; Tumor predisposition; Neoplastic Syndromes, Hereditary; Hereditary Cancer Syndrome. Identifiers: Orphanet 140162, MedGen C0027672, MeSH D009386, MONDO:0015356.
Multiple endocrine neoplasia, type 1 (MEN1). Also called: MEN I; Endocrine adenomatosis multiple; MEN 1; WERMER SYNDROME; MEA I. Identifiers: Orphanet 652, MedGen C0025267, MeSH D018761, MONDO:0007540, OMIM 131100.

Submissions (2):

Labcorp Genetics (formerly Invitae), Labcorp
Classification: Pathogenic for Multiple endocrine neoplasia, type 1. Last evaluated: 2025-11-20. Review status: criteria provided, single submitter. Criteria: Invitae Variant Classification Sherloc (09022015). Collection method: clinical testing. Allele origin: germline.
Comment: This sequence change replaces aspartic acid, which is acidic and polar, with tyrosine, which is neutral and polar, at codon 418 of the MEN1 protein (p.Asp418Tyr). This variant is not present in population databases (gnomAD no frequency). This missense change has been observed in individual(s) with familial multiple endocrine neoplasia type 1 (PMID: 30324798). It has also been observed to segregate with disease in related individuals. ClinVar contains an entry for this variant (Variation ID: 428083). Invitae Evidence Modeling of protein sequence and biophysical properties (such as structural, functional, and spatial information, amino acid conservation, physicochemical variation, residue mobility, and thermodynamic stability) indicates that this missense variant is expected to disrupt MEN1 protein function with a positive predictive value of 95%. This variant disrupts the p.Asp418 amino acid residue in MEN1. Other variant(s) that disrupt this residue have been determined to be pathogenic (PMID: 9463336, 10762295, 11303512, 11836268, 12050235, 12112656, 12652570, 17766710). This suggests that this residue is clinically significant, and that variants that disrupt this residue are likely to be disease-causing. For these reasons, this variant has been classified as Pathogenic.

Ambry Genetics
Classification: Pathogenic for Hereditary cancer-predisposing syndrome. Last evaluated: 2023-03-16. Review status: criteria provided, single submitter. Criteria: Ambry Variant Classification Scheme 2023. Collection method: clinical testing. Allele origin: germline.
Comment: The p.D418Y pathogenic mutation (also known as c.1252G>T), located in coding exon 8 of the MEN1 gene, results from a G to T substitution at nucleotide position 1252. The aspartic acid at codon 418 is replaced by tyrosine, an amino acid with highly dissimilar properties. This alteration has been observed in multiple individuals with a personal history that is consistent with MEN1-related disease (Ozturk M et al. J Endocrinol Invest. 2006 Jun;29(6):523-7; Ambry internal data). This amino acid position is highly conserved in available vertebrate species. In addition, this alteration is predicted to be deleterious by in silico analysis. This variant is considered to be rare based on population cohorts in the Genome Aggregation Database (gnomAD). Based on the supporting evidence, this alteration is interpreted as a disease-causing mutation.

Literature cited by the submitters: PubMed 30324798 (cited by Labcorp Genetics (formerly Invitae), Labcorp); PubMed 9463336 (cited by Labcorp Genetics (formerly Invitae), Labcorp); PubMed 10762295 (cited by Labcorp Genetics (formerly Invitae), Labcorp); PubMed 11303512 (cited by Labcorp Genetics (formerly Invitae), Labcorp); PubMed 11836268 (cited by Labcorp Genetics (formerly Invitae), Labcorp); PubMed 12050235 (cited by Labcorp Genetics (formerly Invitae), Labcorp); PubMed 12112656 (cited by Labcorp Genetics (formerly Invitae), Labcorp); PubMed 12652570 (cited by Labcorp Genetics (formerly Invitae), Labcorp); PubMed 17766710 (cited by Labcorp Genetics (formerly Invitae), Labcorp).